The following is an entry in ClinVar:

NM_172362.3(KCNH1):c.2909T>G (p.Leu970Trp)

Gene: KCNH1 (potassium voltage-gated channel subfamily H member 1; minus strand). Cytogenetic location: 1q32.2.
Variant type: single nucleotide variant.
Coding change: c.2909T>G on transcript NM_172362.3 (MANE Select); coding-DNA position 2909, T replaced by G.
Protein change: p.Leu970Trp; replaces leucine 970 with tryptophan.
Molecular consequence: missense variant.
Genome position (GRCh38, 1-based): chr1:210,683,342, A>C on the plus strand (T>G on the coding strand, the complement: KCNH1 is on the minus strand). VCF-style: chr1-210683342-A-C. GRCh37 (hg19) VCF-style: chr1-210856684-A-C.
Other names: c.2828T>G, p.Leu943Trp (NM_002238.4); short protein forms L943W, L970W.
Identifiers: ClinVar variation 2802683 (VCV002802683.3), dbSNP rs2546368893, ClinGen allele CA344870163.
Genomic context (GRCh38, chr1:210,683,342, plus strand): 5'-CAGCTGGCTCCAAAAATGTCTCTCTCTGATTCTGGGGACTGTGGCCTCGATATTTCAAAC[A>C]ACTCCTGAGGAGACTGAGAGGATCTTCTGGAAGTTAATATCCTGAGTATCTCAGAGAGCT-3'
Protein context (NP_758872.1, residues 960-980): SRRSSQSPQE[Leu970Trp]FEISRPQSPE

ClinVar aggregate classification (germline): Uncertain significance (1 of 4 stars; one submission).

Submission:

Labcorp Genetics (formerly Invitae), Labcorp
Classification: Uncertain significance. Last evaluated: 2023-08-10. Review status: criteria provided, single submitter. Criteria: Invitae Variant Classification Sherloc (09022015). Collection method: clinical testing. Allele origin: germline.
Comment: In summary, the available evidence is currently insufficient to determine the role of this variant in disease. Therefore, it has been classified as a Variant of Uncertain Significance. Advanced modeling of protein sequence and biophysical properties (such as structural, functional, and spatial information, amino acid conservation, physicochemical variation, residue mobility, and thermodynamic stability) has been performed at Invitae for this missense variant, however the output from this modeling did not meet the statistical confidence thresholds required to predict the impact of this variant on KCNH1 protein function. This missense change has been observed in at least one individual who was not affected with KCNH1-related conditions (Invitae). This variant has not been reported in the literature in individuals affected with KCNH1-related conditions. This variant is not present in population databases (gnomAD no frequency). This sequence change replaces leucine, which is neutral and non-polar, with tryptophan, which is neutral and slightly polar, at codon 970 of the KCNH1 protein (p.Leu970Trp).